The following is an entry in ClinVar:

ClinVar aggregate classification (germline): Uncertain significance. Review status: criteria provided, multiple submitters, no conflicts (2 of 4 stars). 2 submissions from 2 submitters: Uncertain significance (2). Last evaluated 2025-07-19.

Conditions:
Developmental and epileptic encephalopathy 94 (DEE94). Also called: Epileptic encephalopathy, childhood-onset; CHD2-Related Neurodevelopmental Disorders. Identifiers: Orphanet 1942, Orphanet 2382, MedGen C3809278, MONDO:0014150, OMIM 615369.

Submissions (2):

GeneDx
Classification: Uncertain significance. Last evaluated: 2025-07-19. Review status: criteria provided, single submitter. Criteria: GeneDx Variant Classification Process June 2021. Collection method: clinical testing. Allele origin: germline. Affected: yes.
Comment: Not observed at significant frequency in large population cohorts (gnomAD); In silico analysis supports that this missense variant has a deleterious effect on protein structure/function; In silico analysis is inconclusive as to whether the variant alters gene splicing. In the absence of RNA/functional studies, the actual effect of this sequence change is unknown.; Has not been previously reported as a pathogenic or benign germline variant to our knowledge; This variant is associated with the following publications: (PMID: 36611369)

Labcorp Genetics (formerly Invitae), Labcorp
Classification: Uncertain significance for Developmental and epileptic encephalopathy 94. Last evaluated: 2024-02-15. Review status: criteria provided, single submitter. Criteria: Invitae Variant Classification Sherloc (09022015). Collection method: clinical testing. Allele origin: germline.
Comment: This sequence change replaces proline, which is neutral and non-polar, with glutamine, which is neutral and polar, at codon 1298 of the CHD2 protein (p.Pro1298Gln). This variant is not present in population databases (gnomAD no frequency). This variant has not been reported in the literature in individuals affected with CHD2-related conditions. Advanced modeling of protein sequence and biophysical properties (such as structural, functional, and spatial information, amino acid conservation, physicochemical variation, residue mobility, and thermodynamic stability) performed at Invitae indicates that this missense variant is not expected to disrupt CHD2 protein function with a negative predictive value of 95%. In summary, the available evidence is currently insufficient to determine the role of this variant in disease. Therefore, it has been classified as a Variant of Uncertain Significance.

NM_001271.4(CHD2):c.3893C>A (p.Pro1298Gln)

Gene: CHD2 (chromodomain helicase DNA binding protein 2; plus strand). Cytogenetic location: 15q26.1.
Variant type: single nucleotide variant.
Coding change: c.3893C>A on transcript NM_001271.4 (MANE Select); coding-DNA position 3893, C replaced by A.
Protein change: p.Pro1298Gln; replaces proline 1298 with glutamine.
Molecular consequence: missense variant.
Genome position (GRCh38, 1-based): chr15:92,998,506, C>A. VCF-style: chr15-92998506-C-A. GRCh37 (hg19) VCF-style: chr15-93541736-C-A.
Other names: c.3893C>A (NM_001271.3); short protein forms P1298Q.
Identifiers: ClinVar variation 3636687 (VCV003636687.3).